The following is an entry in ClinVar:

ClinVar aggregate classification (germline): Pathogenic (1 of 4 stars; one submission).

Conditions:
Inborn genetic diseases. Identifiers: MedGen C0950123, MeSH D030342.

Submission:

Ambry Genetics
Classification: Pathogenic for Inborn genetic diseases. Last evaluated: 2021-06-23. Review status: criteria provided, single submitter. Criteria: Ambry Variant Classification Scheme 2023. Collection method: clinical testing. Allele origin: germline.
Comment: The c.2345_2348delTTCT (p.L782Rfs*117) alteration, located in exon 4 (coding exon 4) of the PRR12 gene, consists of a deletion of 4 nucleotides from position 2345 to 2348, causing a translational frameshift with a predicted alternate stop codon after 117 amino acids. This alteration is expected to result in loss of function by premature protein truncation or nonsense-mediated mRNA decay. Based on data from the Genome Aggregation Database (gnomAD), the PRR12 c.2345_2348delTTCT alteration was not observed, with coverage at this position. Based on the available evidence, this alteration is classified as pathogenic.

NM_020719.3(PRR12):c.2345_2348del (p.Leu782fs)

Gene: PRR12 (proline rich 12; plus strand). Cytogenetic location: 19q13.33.
Variant type: Deletion.
Coding change: c.2345_2348del on transcript NM_020719.3 (MANE Select); coding-DNA positions 2345 to 2348, 4 bases deleted (TTCT; older notation c.2345_2348delTTCT).
Protein change: p.Leu782fs; shifts the reading frame from leucine 782.
Molecular consequence: frameshift variant.
Genome position (GRCh38, 1-based): chr19:49,596,680-49,596,683, TTCT deleted. VCF-style (leftmost placement, unchanged base first): chr19-49596679-CTTCT-C. GRCh37 (hg19) VCF-style: chr19-50099936-CTTCT-C.
Other names: short protein forms L782fs.
Identifiers: ClinVar variation 2388377 (VCV002388377.2), dbSNP rs2514272636, ClinGen allele CA2580097565.
Genomic context (GRCh38, chr19:49,596,679, plus strand): 5'-AAGAGCCCTCCGCCCCCACCTCCCACGGCCCAGTCTACCCAGCCCACTCCCCATGGCCTC[CTTCT>C]GGAGGCCGGGGGCCCTGACCTCCCACTGGTGCTGCCTCCGCCTCCCCCCCAGCTGCTCCC-3'